The following is an entry in ClinVar:

ClinVar aggregate classification (germline): Uncertain significance (1 of 4 stars; one submission).

Conditions:
Familial thoracic aortic aneurysm and aortic dissection (TAAD). Also called: Thoracic aortic aneurysms and dissections. Identifiers: Orphanet 91387, MedGen C4707243, MONDO:0019625.

Submission:

Color Diagnostics, LLC DBA Color Health
Classification: Uncertain significance for Familial thoracic aortic aneurysm and aortic dissection. Last evaluated: 2023-12-05. Review status: criteria provided, single submitter. Criteria: ACMG Guidelines, 2015. Collection method: clinical testing. Allele origin: germline.
Comment: This missense variant replaces cysteine with serine at codon 1268 of the COL3A1 protein. Computational prediction tools and conservation analyses are inconclusive regarding the impact of this variant on the protein function. Computational splicing tools suggest that this variant may not impact RNA splicing. To our knowledge, functional assays have not been performed for this variant nor has this variant been reported in individuals affected with cardiovascular disorders in the literature. This variant has not been identified in the general population by the Genome Aggregation Database (gnomAD). Available evidence is insufficient to determine the role of this variant in disease conclusively. Therefore, this variant is classified as a Variant of Uncertain Significance.

NM_000090.4(COL3A1):c.3803G>C (p.Cys1268Ser)

Gene: COL3A1 (collagen type III alpha 1 chain; plus strand). Cytogenetic location: 2q32.2.
Variant type: single nucleotide variant.
Coding change: c.3803G>C on transcript NM_000090.4 (MANE Select); coding-DNA position 3803, G replaced by C.
Protein change: p.Cys1268Ser; replaces cysteine 1268 with serine.
Molecular consequence: missense variant.
Genome position (GRCh38, 1-based): chr2:189,009,201, G>C. VCF-style: chr2-189009201-G-C. GRCh37 (hg19) VCF-style: chr2-189873927-G-C.
Other names: short protein forms C1268S.
Identifiers: ClinVar variation 919039 (VCV000919039.5), dbSNP rs1688665916, ClinGen allele CA349847791.
Genomic context (GRCh38, chr2:189,009,201, plus strand): 5'-TCATTAGTCCTGATGGTTCTCGTAAAAACCCCGCTAGAAACTGCAGAGACCTGAAATTCT[G>C]CCATCCTGAACTCAAGAGTGGTATGTTTGGTAGTCTTTCATCTTCATGGCAATAGGATTA-3'
Protein context (NP_000081.2, residues 1258-1278): PARNCRDLKF[Cys1268Ser]HPELKSGEYW